The following is an entry in ClinVar:

NM_024741.3(ZNF408):c.1285G>A (p.Val429Met)

Gene: ZNF408 (zinc finger protein 408; plus strand). Cytogenetic location: 11p11.2.
Variant type: single nucleotide variant.
Coding change: c.1285G>A on transcript NM_024741.3 (MANE Select); coding-DNA position 1285, G replaced by A.
Protein change: p.Val429Met; replaces valine 429 with methionine.
Molecular consequence: missense variant.
Genome position (GRCh38, 1-based): chr11:46,704,985, G>A. VCF-style: chr11-46704985-G-A. GRCh37 (hg19) VCF-style: chr11-46726535-G-A.
Other names: c.1261G>A, p.Val421Met (NM_001184751.2); short protein forms V429M, V421M.
Identifiers: ClinVar variation 971746 (VCV000971746.9), dbSNP rs376830686, ClinGen allele CA5966528.

ClinVar aggregate classification (germline): Uncertain significance. Review status: criteria provided, multiple submitters, no conflicts (2 of 4 stars). 2 submissions from 2 submitters: Uncertain significance (2). Last evaluated 2025-04-30.

Allele frequency attached by ClinVar (database versions not stated): gnomAD exomes 0.00001 and 0.00008; TOPMed 0.00002; ExAC 0.00007; 1000 Genomes Project 30x 0.00016; 1000 Genomes Project 0.00020.
gnomAD v4.1: 26 of 1,613,458 alleles (0.0016%); highest among the groups gnomAD compares: East Asian, 0.053%; no homozygotes.

Submissions (2):

Labcorp Genetics (formerly Invitae), Labcorp
Classification: Uncertain significance. Last evaluated: 2025-04-30. Review status: criteria provided, single submitter. Criteria: Invitae Variant Classification Sherloc (09022015). Collection method: clinical testing. Allele origin: germline.
Comment: This sequence change replaces valine, which is neutral and non-polar, with methionine, which is neutral and non-polar, at codon 429 of the ZNF408 protein (p.Val429Met). This variant is present in population databases (rs376830686, gnomAD 0.1%). This missense change has been observed in individual(s) with familial exudative vitreoretinopathy (PMID: 30452590). This variant is also known as c.1261G>A (p.Val421Met). ClinVar contains an entry for this variant (Variation ID: 971746). An algorithm developed to predict the effect of missense changes on protein structure and function (PolyPhen-2) suggests that this variant is likely to be disruptive. In summary, the available evidence is currently insufficient to determine the role of this variant in disease. Therefore, it has been classified as a Variant of Uncertain Significance.

Blueprint Genetics
Classification: Uncertain significance. Last evaluated: 2023-12-15. Review status: criteria provided, single submitter. Criteria: ACMG Guidelines, 2015. Collection method: clinical testing. Allele origin: germline.

Literature cited by the submitters: PubMed 30452590 (cited by Labcorp Genetics (formerly Invitae), Labcorp).